The following is an entry in ClinVar:

NM_001042492.3(NF1):c.7615+5G>A

Gene: NF1 (neurofibromin 1; plus strand). Cytogenetic location: 17q11.2.
Variant type: single nucleotide variant.
Coding change: c.7615+5G>A on transcript NM_001042492.3 (MANE Select); 5 bases into the intron after coding-DNA position 7615, G replaced by A.
Molecular consequence: intron variant.
Genome position (GRCh38, 1-based): chr17:31,352,419, G>A. VCF-style: chr17-31352419-G-A. GRCh37 (hg19) VCF-style: chr17-29679437-G-A.
Other names: c.7552+5G>A (NM_000267.4).
Identifiers: ClinVar variation 527515 (VCV000527515.5), dbSNP rs1555536382, ClinGen allele CA658798788.
Genomic context (GRCh38, chr17:31,352,419, plus strand): 5'-ATCCATGAGCCTGGACATGGGGCAACCTTCTCAGGCCAACACTAAGAAGTTGCTTGGTTA[G>A]TTTATCTAAATTATGTAGATTTTTTTTATTATTTAAAAAAATAGATATTTTTACTCTTGG-3'

ClinVar aggregate classification (germline): Uncertain significance (1 of 4 stars; one submission).

Conditions:
Neurofibromatosis, type 1 (NF1). Also called: VON RECKLINGHAUSEN DISEASE; NEUROFIBROMATOSIS, TYPE I, SOMATIC; Peripheral type neurofibromatosis; Neurofibromatosis, type I. Identifiers: Orphanet 636, MedGen C0027831, MONDO:0018975, OMIM 162200. Disease mechanism: loss of function.

Submission:

Labcorp Genetics (formerly Invitae), Labcorp
Classification: Uncertain significance for Neurofibromatosis, type 1. Last evaluated: 2023-09-09. Review status: criteria provided, single submitter. Criteria: Invitae Variant Classification Sherloc (09022015). Collection method: clinical testing. Allele origin: germline.
Comment: This sequence change falls in intron 50 of the NF1 gene. It does not directly change the encoded amino acid sequence of the NF1 protein. It affects a nucleotide within the consensus splice site. This variant is not present in population databases (gnomAD no frequency). This variant has not been reported in the literature in individuals affected with NF1-related conditions. ClinVar contains an entry for this variant (Variation ID: 527515). Variants that disrupt the consensus splice site are a relatively common cause of aberrant splicing (PMID: 17576681, 9536098). Algorithms developed to predict the effect of sequence changes on RNA splicing suggest that this variant may disrupt the consensus splice site. In summary, the available evidence is currently insufficient to determine the role of this variant in disease. Therefore, it has been classified as a Variant of Uncertain Significance.

Literature cited by the submitters: PubMed 17576681; PubMed 9536098.